The following is an entry in ClinVar:

NM_000238.4(KCNH2):c.1500C>A (p.Ile500=)

Gene: KCNH2 (potassium voltage-gated channel subfamily H member 2; minus strand). Cytogenetic location: 7q36.1.
Variant type: single nucleotide variant.
Coding change: c.1500C>A on transcript NM_000238.4 (MANE Select); coding-DNA position 1500, C replaced by A.
Protein change: p.Ile500=; no amino-acid change (isoleucine 500 retained).
Molecular consequence: synonymous variant. On other transcripts: non-coding transcript variant (2).
Genome position (GRCh38, 1-based): chr7:150,952,482, G>T on the plus strand (C>A on the coding strand, the complement: KCNH2 is on the minus strand). VCF-style: chr7-150952482-G-T. GRCh37 (hg19) VCF-style: chr7-150649570-G-T.
Other names: c.480C>A, p.Ile160= (NM_001204798.2, NM_172057.3); c.1212C>A, p.Ile404= (NM_001406753.1, NM_001406756.1); c.1323C>A, p.Ile441= (NM_001406755.1); c.1200C>A, p.Ile400= (NM_001406757.1); c.1500C>A, p.Ile500= (NM_172056.3).
Identifiers: ClinVar variation 387947 (VCV000387947.35), dbSNP rs147126965, ClinGen allele CA028191.
Genomic context (GRCh38, chr7:150,952,482, plus strand): 5'-CACCTCCTCAGAGCCAGAGCCGAAGATGAGCAGGTCGAAGGGGATGGCGGCCACCATGTC[G>T]ATGAGGAACCAGCCCTTGAAGTAGTGGACGGCGATGCGGCCGGGGTGGCTGACCACCTCC-3'
Protein context (NP_000229.1, residues 490-510): AVHYFKGWFL[Ile500=]DMVAAIPFDL

ClinVar aggregate classification (germline): Benign/Likely benign. Review status: criteria provided, multiple submitters, no conflicts (2 of 4 stars). 7 submissions from 7 submitters: Benign (1); Likely benign (6). Last evaluated 2025-12-24.

Conditions:
Cardiovascular phenotype. Identifiers: MedGen CN230736.
Cardiac arrhythmia. Also called: Cardiac rhythm disease; Arrhythmia. Identifiers: MedGen C0003811, MONDO:0007263, HP:0011675.
Short QT syndrome type 1. Identifiers: Orphanet 51083, MedGen C1865020, MONDO:0012312, OMIM 609620.
Long QT syndrome 2 (LQT2). Identifiers: Orphanet 101016, Orphanet 768, MedGen C3150943, MONDO:0013367, OMIM 613688.
Long QT syndrome (LQTS). Identifiers: MedGen C0023976, MeSH D008133, MONDO:0002442. Disease mechanism: loss of function. Inheritance: Various modes of inheritance.

Allele frequency attached by ClinVar (database versions not stated): TOPMed 0.00022; ESP Exome Variant Server 0.00023.
gnomAD v4.1: 63 of 1,614,006 alleles (0.0039%); highest among the groups gnomAD compares: African/African-American, 0.084%; no homozygotes.

Submissions (7):

Labcorp Genetics (formerly Invitae), Labcorp
Classification: Benign for Long QT syndrome. Last evaluated: 2025-12-24. Review status: criteria provided, single submitter. Criteria: Invitae Variant Classification Sherloc (09022015). Collection method: clinical testing. Allele origin: germline.

CeGaT Center for Human Genetics Tuebingen
Classification: Likely benign. Last evaluated: 2024-10-01. Review status: criteria provided, single submitter. Criteria: CeGaT Center For Human Genetics Tuebingen Variant Classification Criteria Version 2. Collection method: clinical testing. Allele origin: germline. Affected: yes. Observed: 1 variant allele.
Comment: KCNH2: BP4, BP7

All of Us Research Program, National Institutes of Health
Classification: Likely benign for Long QT syndrome. Last evaluated: 2024-02-05. Review status: criteria provided, single submitter. Criteria: ACMG Guidelines, 2015. Collection method: clinical testing. Allele origin: germline. Inheritance: Autosomal dominant inheritance. Observed: 13 variant alleles, 13 heterozygotes.
Comment: This study involves interpretation of variants in research participants for the purpose of population health screening. Participant phenotype was not available at the time of variant classification. Additional details can be found in publication PMID: 35346344, PMCID: PMC8962531

Fulgent Genetics
Classification: Likely benign for Short QT syndrome type 1; Long QT syndrome 2. Last evaluated: 2021-08-20. Review status: criteria provided, single submitter. Criteria: ACMG Guidelines, 2015. Collection method: clinical testing. Allele origin: unknown.

GeneDx
Classification: Likely benign. Last evaluated: 2021-04-09. Review status: criteria provided, single submitter. Criteria: GeneDx Variant Classification Process June 2021. Collection method: clinical testing. Allele origin: germline. Affected: yes.

Color Diagnostics, LLC DBA Color Health
Classification: Likely benign for Arrhythmia. Last evaluated: 2019-08-14. Review status: criteria provided, single submitter. Criteria: ACMG Guidelines, 2015. Collection method: clinical testing. Allele origin: germline.

Ambry Genetics
Classification: Likely benign for Cardiovascular phenotype. Last evaluated: 2019-07-29. Review status: criteria provided, single submitter. Criteria: Ambry Variant Classification Scheme 2023. Collection method: clinical testing. Allele origin: germline.